The following is an entry in ClinVar:

ClinVar aggregate classification (germline): Benign. Review status: criteria provided, multiple submitters, no conflicts (2 of 4 stars). 5 submissions from 4 submitters: Benign (5). Last evaluated 2026-02-02.

Conditions:
Alopecia-intellectual disability syndrome 4. Also called: ALOPECIA-MENTAL RETARDATION SYNDROME 4. Identifiers: MedGen C5394241, MONDO:0030009, OMIM 618840.
Cataract 44 (CTRCT44). Also called: CATARACT 44 AND HYPOTRICHOSIS. Identifiers: Orphanet 91492, Orphanet 98994, MedGen C4225300, MONDO:0014673, OMIM 616509.

Allele frequency attached by ClinVar (database versions not stated): 1000 Genomes Project 30x 0.50937; gnomAD 0.53664; TOPMed 0.50404; ESP Exome Variant Server 0.50677; 1000 Genomes Project 0.51897; gnomAD exomes 0.56962.
gnomAD v4.1: 909,226 of 1,566,868 alleles (58%); highest among the groups gnomAD compares: East Asian, 73%; 268,157 homozygotes.

Submissions (5):

Labcorp Genetics (formerly Invitae), Labcorp
Classification: Benign. Last evaluated: 2026-02-02. Review status: criteria provided, single submitter. Criteria: Invitae Variant Classification Sherloc (09022015). Collection method: clinical testing. Allele origin: germline.

Genome-Nilou Lab
Classification: Benign for Cataract 44. Last evaluated: 2021-09-05. Review status: criteria provided, single submitter. Criteria: ACMG Guidelines, 2015. Collection method: clinical testing. Allele origin: germline. Affected: no.

Genome-Nilou Lab
Classification: Benign for Alopecia-intellectual disability syndrome 4. Last evaluated: 2021-09-05. Review status: criteria provided, single submitter. Criteria: ACMG Guidelines, 2015. Collection method: clinical testing. Allele origin: germline. Affected: no.

GeneDx
Classification: Benign. Last evaluated: 2018-03-24. Review status: criteria provided, single submitter. Criteria: GeneDx Variant Classification (06012015). Collection method: clinical testing. Allele origin: germline. Affected: yes.
Comment: This variant is considered likely benign or benign based on one or more of the following criteria: it is a conservative change, it occurs at a poorly conserved position in the protein, it is predicted to be benign by multiple in silico algorithms, and/or has population frequency not consistent with disease.

Breakthrough Genomics
Classification: Benign. Review status: criteria provided, single submitter. Criteria: ACMG Guidelines, 2015. Collection method: not provided. Allele origin: germline. Inheritance: Autosomal recessive inheritance. Affected: yes.

NM_002340.6(LSS):c.551-6G>C

Gene: LSS (lanosterol synthase; minus strand). Cytogenetic location: 21q22.3.
Variant type: single nucleotide variant.
Coding change: c.551-6G>C on transcript NM_002340.6 (MANE Select); 6 bases into the intron before coding-DNA position 551, G replaced by C.
Molecular consequence: genic upstream transcript variant. On other transcripts: intron variant (1).
Genome position (GRCh38, 1-based): chr21:46,219,578, C>G on the plus strand (G>C on the coding strand, the complement: LSS is on the minus strand). VCF-style: chr21-46219578-C-G. GRCh37 (hg19) VCF-style: chr21-47639492-C-G.
Other names: c.518-6G>C (NM_001145436.2); c.551-6G>C (NM_001001438.3); c.311-6G>C (NM_001145437.2).
Identifiers: ClinVar variation 677172 (VCV000677172.12), dbSNP rs2277826, ClinGen allele CA10075427.